The following is an entry in ClinVar:

NM_000179.3(MSH6):c.1132A>G (p.Arg378Gly)

Gene: MSH6 (mutS homolog 6; plus strand). Cytogenetic location: 2p16.3.
Variant type: single nucleotide variant.
Coding change: c.1132A>G on transcript NM_000179.3 (MANE Select); coding-DNA position 1132, A replaced by G.
Protein change: p.Arg378Gly; replaces arginine 378 with glycine.
Molecular consequence: missense variant.
Genome position (GRCh38, 1-based): chr2:47,799,115, A>G. VCF-style: chr2-47799115-A-G. GRCh37 (hg19) VCF-style: chr2-48026254-A-G.
Other names: c.1132A>G, p.Arg378Gly (NM_001406796.1, NM_001406798.1, NM_001406800.1 and 4 more transcripts); c.835A>G, p.Arg279Gly (NM_001406797.1, NM_001406801.1, NM_001406805.1 and 10 more transcripts); c.607A>G, p.Arg203Gly (NM_001406799.1, NM_001406806.1, NM_001406807.1); c.1228A>G, p.Arg410Gly (NM_001406802.1, NM_001406795.1); c.1054A>G, p.Arg352Gly (NM_001406804.1); c.964A>G, p.Arg322Gly (NM_001406826.1); c.226A>G, p.Arg76Gly (NM_001406829.1, NM_001406815.1, NM_001406816.1 and 6 more transcripts); c.1138A>G, p.Arg380Gly (NM_001406813.1); and 1 more; short protein forms R322G, R378G, R410G, R352G, R279G, R380G, R203G, R248G.
Identifiers: ClinVar variation 1728757 (VCV001728757.2), dbSNP rs781572949, ClinGen allele CA346742094.

ClinVar aggregate classification (germline): Uncertain significance (1 of 4 stars; one submission).

Conditions:
Hereditary cancer-predisposing syndrome. Also called: Tumor predisposition; Neoplastic Syndromes, Hereditary; Hereditary Cancer Syndrome; Hereditary neoplastic syndrome. Identifiers: Orphanet 140162, MedGen C0027672, MeSH D009386, MONDO:0015356.

Submission:

Ambry Genetics
Classification: Uncertain significance for Hereditary cancer-predisposing syndrome. Last evaluated: 2022-04-01. Review status: criteria provided, single submitter. Criteria: Ambry Variant Classification Scheme 2023. Collection method: clinical testing. Allele origin: germline.
Comment: The p.R378G variant (also known as c.1132A>G), located in coding exon 4 of the MSH6 gene, results from an A to G substitution at nucleotide position 1132. The arginine at codon 378 is replaced by glycine, an amino acid with dissimilar properties. This amino acid position is conserved. In addition, this alteration is predicted to be deleterious by in silico analysis. Since supporting evidence is limited at this time, the clinical significance of this alteration remains unclear.